The following is an entry in ClinVar:

NM_000245.4(MET):c.3415G>T (p.Val1139Phe)

Gene: MET (MET proto-oncogene, receptor tyrosine kinase; plus strand). Cytogenetic location: 7q31.2.
Variant type: single nucleotide variant.
Coding change: c.3415G>T on transcript NM_000245.4 (MANE Select); coding-DNA position 3415, G replaced by T.
Protein change: p.Val1139Phe; replaces valine 1139 with phenylalanine.
Molecular consequence: missense variant.
Genome position (GRCh38, 1-based): chr7:116,778,850, G>T. VCF-style: chr7-116778850-G-T. GRCh37 (hg19) VCF-style: chr7-116418904-G-T.
Other names: c.3469G>T, p.Val1157Phe (NM_001127500.3); c.2125G>T, p.Val709Phe (NM_001324402.2); short protein forms V1139F, V1157F, V709F.
Identifiers: ClinVar variation 2117490 (VCV002117490.4), dbSNP rs1795069790, ClinGen allele CA368990110.

ClinVar aggregate classification (germline): Uncertain significance (1 of 4 stars; one submission).

Conditions:
Renal cell carcinoma. Identifiers: Orphanet 217071, MedGen C0007134, MeSH D002292, MONDO:0005086, HP:0005584.

Submission:

Labcorp Genetics (formerly Invitae), Labcorp
Classification: Uncertain significance for Renal cell carcinoma. Last evaluated: 2022-03-26. Review status: criteria provided, single submitter. Criteria: Invitae Variant Classification Sherloc (09022015). Collection method: clinical testing. Allele origin: germline.
Comment: In summary, the available evidence is currently insufficient to determine the role of this variant in disease. Therefore, it has been classified as a Variant of Uncertain Significance. Algorithms developed to predict the effect of missense changes on protein structure and function (SIFT, PolyPhen-2, Align-GVGD) all suggest that this variant is likely to be disruptive. This variant has not been reported in the literature in individuals affected with MET-related conditions. This variant is not present in population databases (gnomAD no frequency). This sequence change replaces valine, which is neutral and non-polar, with phenylalanine, which is neutral and non-polar, at codon 1157 of the MET protein (p.Val1157Phe).